The following is an entry in ClinVar:

NM_015065.3(EXPH5):c.4680G>A (p.Gln1560=)

Gene: EXPH5 (exophilin 5; minus strand). Cytogenetic location: 11q22.3.
Variant type: single nucleotide variant.
Coding change: c.4680G>A on transcript NM_015065.3 (MANE Select); coding-DNA position 4680, G replaced by A.
Protein change: p.Gln1560=; no amino-acid change (glutamine 1560 retained).
Molecular consequence: synonymous variant.
Genome position (GRCh38, 1-based): chr11:108,510,827, C>T on the plus strand (G>A on the coding strand, the complement: EXPH5 is on the minus strand). VCF-style: chr11-108510827-C-T. GRCh37 (hg19) VCF-style: chr11-108381554-C-T.
Other names: c.4452G>A, p.Gln1484= (NM_001144763.2); c.4212G>A, p.Gln1404= (NM_001144764.2); c.4116G>A, p.Gln1372= (NM_001144765.2); c.4659G>A, p.Gln1553= (NM_001308019.2).
Identifiers: ClinVar variation 3047850 (VCV003047850.4), dbSNP rs778949566, ClinGen allele CA6267474.

ClinVar aggregate classification (germline): Benign. Review status: criteria provided, single submitter (1 of 4 stars). 2 submissions from 2 submitters: Benign (1). 1 of the submissions does not count toward it. Last evaluated 2024-06-05.

Conditions:
EXPH5-related disorder. Also called: EXPH5-related condition.

Allele frequency attached by ClinVar (database versions not stated): gnomAD exomes 0.00005; ExAC 0.00016.
gnomAD v4.1: 80 of 1,614,044 alleles (0.005%); highest among the groups gnomAD compares: East Asian, 0.14%; no homozygotes.

Submissions (2):

Labcorp Genetics (formerly Invitae), Labcorp
Classification: Benign. Last evaluated: 2024-06-05. Review status: criteria provided, single submitter. Criteria: Invitae Variant Classification Sherloc (09022015). Collection method: clinical testing. Allele origin: germline.

PreventionGenetics, part of Exact Sciences
Classification: Likely benign for EXPH5-related condition. Last evaluated: 2019-04-02. Review status: no assertion criteria provided. Collection method: clinical testing. Allele origin: germline. Not counted in ClinVar's aggregate classification.
Comment: This variant is classified as likely benign based on ACMG/AMP sequence variant interpretation guidelines (Richards et al. 2015 PMID: 25741868, with internal and published modifications).